The following is an entry in ClinVar:

ClinVar aggregate classification (germline): Conflicting classifications of pathogenicity. Review status: criteria provided, conflicting classifications (1 of 4 stars). 2 submissions from 2 submitters: Likely pathogenic (1); Uncertain significance (1). Last evaluated 2025-10-02.

Conditions:
Hypertrophic cardiomyopathy. Also called: HYPERTROPHIC MYOCARDIOPATHY. Identifiers: Orphanet 217569, MedGen C0007194, MeSH D002312, MONDO:0005045, HP:0001639.

Allele frequency attached by ClinVar (database versions not stated): gnomAD exomes below 0.00001; ExAC 0.00001.
gnomAD v4.1: 1 of 1,613,040 alleles (0.000062%); highest among the groups gnomAD compares: South Asian, 0.0011%; no homozygotes.

Submissions (2):

GeneDx
Classification: Likely pathogenic. Last evaluated: 2025-10-02. Review status: criteria provided, single submitter. Criteria: GeneDx Variant Classification Process June 2021. Collection method: clinical testing. Allele origin: germline. Affected: yes.
Comment: Not observed at significant frequency in large population cohorts (gnomAD); In silico analysis supports that this missense variant has a deleterious effect on protein structure/function; Has not been previously published as pathogenic or benign to our knowledge

Labcorp Genetics (formerly Invitae), Labcorp
Classification: Uncertain significance for Hypertrophic cardiomyopathy. Last evaluated: 2025-08-11. Review status: criteria provided, single submitter. Criteria: Invitae Variant Classification Sherloc (09022015). Collection method: clinical testing. Allele origin: germline.
Comment: This sequence change replaces cysteine, which is neutral and slightly polar, with arginine, which is basic and polar, at codon 475 of the MYBPC3 protein (p.Cys475Arg). This variant is present in population databases (rs760864668, gnomAD 0.003%). This variant has not been reported in the literature in individuals affected with MYBPC3-related conditions. ClinVar contains an entry for this variant (Variation ID: 1308504). An algorithm developed to predict the effect of missense changes on protein structure and function (PolyPhen-2) suggests that this variant is likely to be disruptive. In summary, the available evidence is currently insufficient to determine the role of this variant in disease. Therefore, it has been classified as a Variant of Uncertain Significance.

NM_000256.3(MYBPC3):c.1423T>C (p.Cys475Arg)

Gene: MYBPC3 (myosin binding protein C3; minus strand). Cytogenetic location: 11p11.2.
Variant type: single nucleotide variant.
Coding change: c.1423T>C on transcript NM_000256.3 (MANE Select); coding-DNA position 1423, T replaced by C.
Protein change: p.Cys475Arg; replaces cysteine 475 with arginine.
Molecular consequence: missense variant.
Genome position (GRCh38, 1-based): chr11:47,342,864, A>G on the plus strand (T>C on the coding strand, the complement: MYBPC3 is on the minus strand). VCF-style: chr11-47342864-A-G. GRCh37 (hg19) VCF-style: chr11-47364415-A-G.
Other names: short protein forms C475R.
Identifiers: ClinVar variation 1308504 (VCV001308504.11), dbSNP rs760864668, ClinGen allele CA078075.